The following is an entry in ClinVar:

ClinVar aggregate classification (germline): Uncertain significance (1 of 4 stars; one submission).

gnomAD v4.1: 2 of 1,578,902 alleles (0.00013%); highest among the groups gnomAD compares: East Asian, 0.0022%; no homozygotes.

Submission:

GeneDx
Classification: Uncertain significance. Last evaluated: 2024-12-11. Review status: criteria provided, single submitter. Criteria: GeneDx Variant Classification Process June 2021. Collection method: clinical testing. Allele origin: germline. Affected: yes.
Comment: Not observed at significant frequency in large population cohorts (gnomAD); In silico analysis supports that this missense variant has a deleterious effect on protein structure/function; Has not been previously published as pathogenic or benign to our knowledge

NM_006922.4(SCN3A):c.4361T>C (p.Phe1454Ser)

Gene: SCN3A (sodium voltage-gated channel alpha subunit 3; minus strand). Cytogenetic location: 2q24.3.
Variant type: single nucleotide variant.
Coding change: c.4361T>C on transcript NM_006922.4 (MANE Select); coding-DNA position 4361, T replaced by C.
Protein change: p.Phe1454Ser; replaces phenylalanine 1454 with serine.
Molecular consequence: missense variant.
Genome position (GRCh38, 1-based): chr2:165,095,581, A>G on the plus strand (T>C on the coding strand, the complement: SCN3A is on the minus strand). VCF-style: chr2-165095581-A-G. GRCh37 (hg19) VCF-style: chr2-165952091-A-G.
Other names: c.4214T>C, p.Phe1405Ser (NM_001081676.2, NM_001081677.2); short protein forms F1405S, F1454S.
Identifiers: ClinVar variation 3902898 (VCV003902898.1).